The following is an entry in ClinVar:

NM_022835.3(PLEKHG2):c.2005C>T (p.Pro669Ser)

Gene: PLEKHG2 (pleckstrin homology and RhoGEF domain containing G2; plus strand). Cytogenetic location: 19q13.2.
Variant type: single nucleotide variant.
Coding change: c.2005C>T on transcript NM_022835.3 (MANE Select); coding-DNA position 2005, C replaced by T.
Protein change: p.Pro669Ser; replaces proline 669 with serine.
Molecular consequence: missense variant. On other transcripts: intron variant (1).
Genome position (GRCh38, 1-based): chr19:39,423,059, C>T. VCF-style: chr19-39423059-C-T. GRCh37 (hg19) VCF-style: chr19-39913699-C-T.
Other names: c.2005C>T (NM_022835.2); c.1828C>T, p.Pro610Ser (NM_001351693.2); c.1677+771C>T (NM_001351694.2); short protein forms P669S, P610S.
Identifiers: ClinVar variation 2193317 (VCV002193317.5), dbSNP rs1177574044, ClinGen allele CA405796763.

ClinVar aggregate classification (germline): Uncertain significance. Review status: criteria provided, multiple submitters, no conflicts (2 of 4 stars). 2 submissions from 2 submitters: Uncertain significance (2). Last evaluated 2025-06-20.

Allele frequency attached by ClinVar (database versions not stated): gnomAD 0.00001; TOPMed 0.00002.

Submissions (2):

GeneDx
Classification: Uncertain significance. Last evaluated: 2025-06-20. Review status: criteria provided, single submitter. Criteria: GeneDx Variant Classification Process June 2021. Collection method: clinical testing. Allele origin: germline. Affected: yes.
Comment: Has not been previously published as pathogenic or benign to our knowledge; In silico analysis supports that this missense variant has a deleterious effect on protein structure/function

Labcorp Genetics (formerly Invitae), Labcorp
Classification: Uncertain significance. Last evaluated: 2022-07-25. Review status: criteria provided, single submitter. Criteria: Invitae Variant Classification Sherloc (09022015). Collection method: clinical testing. Allele origin: germline.
Comment: In summary, the available evidence is currently insufficient to determine the role of this variant in disease. Therefore, it has been classified as a Variant of Uncertain Significance. Algorithms developed to predict the effect of missense changes on protein structure and function are either unavailable or do not agree on the potential impact of this missense change (SIFT: "Deleterious"; PolyPhen-2: "Benign"; Align-GVGD: "Class C65"). This variant has not been reported in the literature in individuals affected with PLEKHG2-related conditions. This variant is present in population databases (no rsID available, gnomAD 0.02%). This sequence change replaces proline, which is neutral and non-polar, with serine, which is neutral and polar, at codon 669 of the PLEKHG2 protein (p.Pro669Ser).